The following is an entry in ClinVar:

NM_001267550.2(TTN):c.87751C>T (p.Arg29251Ter)

Genes: TTN (titin; minus strand), TTN-AS1 (TTN antisense RNA 1; plus strand). Cytogenetic location: 2q31.2.
Variant type: single nucleotide variant.
Coding change: c.87751C>T on transcript NM_001267550.2 (MANE Select); coding-DNA position 87751, C replaced by T.
Protein change: p.Arg29251Ter; replaces arginine 29251 with a stop codon.
Molecular consequence: nonsense.
Genome position (GRCh38, 1-based): chr2:178,557,511, G>A on the plus strand (C>T on the coding strand, the complement: TTN is on the minus strand). VCF-style: chr2-178557511-G-A. GRCh37 (hg19) VCF-style: chr2-179422238-G-A.
Other names: p.R27610X:CGA>TGA; c.82828C>T, p.Arg27610Ter (NM_001256850.1); c.60556C>T, p.Arg20186Ter (NM_003319.4); c.80047C>T, p.Arg26683Ter (NM_133378.4); c.60931C>T, p.Arg20311Ter (NM_133432.3); c.61132C>T, p.Arg20378Ter (NM_133437.4); short protein forms R27610*, R29251*, R20186*, R20311*, R20378*, R26683*.
Identifiers: ClinVar variation 202422 (VCV000202422.17), dbSNP rs794729299, ClinGen allele CA309361.
Genomic context (GRCh38, chr2:178,557,511, plus strand): 5'-CTACGACTGCACTGCCTCCATTTGACACTGGTTCATGCCAGCCCACAGTGATGCTTTCTC[G>A]AGTAACATTAGTGACCCATGGTGTAGATGGTGGTCCAGGTGTTGCTACAAAAGAGAGAAA-3'

ClinVar aggregate classification (germline): Pathogenic/Likely pathogenic. Review status: criteria provided, multiple submitters, no conflicts (2 of 4 stars). 3 submissions from 3 submitters: Pathogenic (2); Likely pathogenic (1). Last evaluated 2026-10-11.

Conditions:
Cardiovascular phenotype. Identifiers: MedGen CN230736.
Dilated cardiomyopathy 1G (CMD1G). Identifiers: Orphanet 154, MedGen C1858763, MONDO:0011400, OMIM 604145.
Autosomal recessive limb-girdle muscular dystrophy type 2J (LGMDR10). Also called: MUSCULAR DYSTROPHY, LIMB-GIRDLE, AUTOSOMAL RECESSIVE 10; Limb-girdle muscular dystrophy, type 2J. Identifiers: Orphanet 140922, MedGen C1837342, MONDO:0012127, OMIM 608807.

Allele frequency attached by ClinVar (database versions not stated): TOPMed below 0.00001.
gnomAD v4.1: 2 of 1,613,880 alleles (0.00012%); highest among the groups gnomAD compares: South Asian, 0.0011%; no homozygotes.

Submissions (3):

GeneDx
Classification: Pathogenic. Last evaluated: 2026-10-11. Review status: criteria provided, single submitter. Criteria: GeneDx Variant Classification Process June 2021. Collection method: clinical testing. Allele origin: germline.
Comment: Nonsense variant predicted to result in protein truncation or nonsense mediated decay in a gene for which loss of function is a known mechanism of disease; Not observed at significant frequency in large population cohorts (gnomAD); Located in the A-band, a region of TTN for which truncating variants are significantly associated with autosomal dominant cardiomyopathy and also with autosomal recessive skeletal myopathies (PMID: 22335739, 32778822); Has not been previously published as pathogenic or benign to our knowledge; This variant is associated with the following publications: (PMID: 31589614, 22335739, 32778822, 24575448)

Labcorp Genetics (formerly Invitae), Labcorp
Classification: Likely pathogenic for Dilated cardiomyopathy 1G; Autosomal recessive limb-girdle muscular dystrophy type 2J. Last evaluated: 2026-01-15. Review status: criteria provided, single submitter. Criteria: Invitae Variant Classification Sherloc (09022015). Collection method: clinical testing. Allele origin: germline.
Comment: This sequence change creates a premature translational stop signal (p.Arg29251*) in the TTN gene. While this is not anticipated to result in nonsense mediated decay, it is expected to create a truncated TTN protein. This variant is not present in population databases (gnomAD no frequency). This variant has not been reported in the literature in individuals affected with TTN-related conditions. ClinVar contains an entry for this variant (Variation ID: 202422). This variant is located in the A band of TTN (PMID: 25589632). Truncating variants in this region are significantly overrepresented in patients affected with dilated cardiomyopathy (PMID: 25589632). Truncating variants in this region have also been reported in individuals affected with autosomal recessive centronuclear myopathy (PMID: 23975875). In summary, the currently available evidence indicates that the variant is pathogenic, but additional data are needed to prove that conclusively. Therefore, this variant has been classified as Likely Pathogenic.

Ambry Genetics
Classification: Pathogenic for Cardiovascular phenotype. Last evaluated: 2021-04-29. Review status: criteria provided, single submitter. Criteria: Ambry Variant Classification Scheme 2023. Collection method: clinical testing. Allele origin: germline.
Comment: The p.R20186* pathogenic mutation (also known as c.60556C>T), located in coding exon 156 of the TTN gene, results from a C to T substitution at nucleotide position 60556. This changes the amino acid from an arginine to a stop codon within coding exon 156. This exon is located in the A-band region of the N2-B isoform of the titin protein and is constitutively expressed in TTN transcripts (percent spliced in or PSI 100%). This alteration has been observed in at least one individual with a personal and/or family history that is consistent with TTN-related disease (Ambry internal data). This alteration is expected to result in loss of function by premature protein truncation or nonsense-mediated mRNA decay. While truncating variants in TTN are present in 1-3% of the general population, truncating variants in the A-band are the most common cause of dilated cardiomyopathy (DCM) (Herman DS et al. N. Engl. J. Med., 2012 Feb;366:619-28; Roberts AM et al. Sci Transl Med, 2015 Jan;7:270ra6). TTN truncating variants encoded in constitutive exons (PSI >90%) have been found to be significantly associated with DCM regardless of their position in titin (Schafer S et al. Nat. Genet., 2017 01;49:46-53). Based on the supporting evidence, this alteration is interpreted as a disease-causing mutation.

Literature cited by the submitters: PubMed 25589632 (cited by Labcorp Genetics (formerly Invitae), Labcorp); PubMed 23975875 (cited by Labcorp Genetics (formerly Invitae), Labcorp).